The following is an entry in ClinVar:

ClinVar aggregate classification (germline): Uncertain significance. Review status: criteria provided, multiple submitters, no conflicts (2 of 4 stars). 3 submissions from 3 submitters: Uncertain significance (3). Last evaluated 2026-08-20.

Conditions:
Hereditary pheochromocytoma and paraganglioma. Also called: Hereditary Paraganglioma-Pheochromocytoma Syndromes; Hereditary pheochromocytoma-paraganglioma; Hereditary paragangliomas and pheochromocytomas. Identifiers: Orphanet 29072, MedGen C4274332, MONDO:0017366.
Hereditary cancer-predisposing syndrome. Also called: Hereditary neoplastic syndrome; Hereditary Cancer Syndrome; Neoplastic Syndromes, Hereditary; Tumor predisposition. Identifiers: Orphanet 140162, MedGen C0027672, MeSH D009386, MONDO:0015356.
Gastrointestinal stromal tumor. Also called: Gastrointestinal stroma tumor; Gastrointestinal stromal tumor, somatic. Identifiers: Orphanet 44890, MedGen C0238198, MeSH D046152, MONDO:0011719, OMIM 606764, HP:0100723.
Pheochromocytoma/paraganglioma syndrome 3. Also called: GLOMUS TUMORS, FAMILIAL, 3; Paragangliomas 3; SDHC-Related Hereditary Paraganglioma-Pheochromocytoma Syndrome (Paragangliomas 3); SDHC-Related Hereditary Paraganglioma-Pheochromocytoma Syndrome. Identifiers: Orphanet 29072, MedGen C1854336, MONDO:0011544, OMIM 605373.

gnomAD v4.1: 2 of 1,613,620 alleles (0.00012%); highest among the groups gnomAD compares: Non-Finnish European, 0.00017%; no homozygotes.

Submissions (3):

Ambry Genetics
Classification: Uncertain significance for Hereditary cancer-predisposing syndrome. Last evaluated: 2026-08-20. Review status: criteria provided, single submitter. Criteria: Ambry Variant Classification Scheme 2023. Collection method: clinical testing. Allele origin: germline.
Comment: The p.A2V variant (also known as c.5C>T), located in coding exon 1 of the SDHC gene, results from a C to T substitution at nucleotide position 5. The alanine at codon 2 is replaced by valine, an amino acid with similar properties. This amino acid position is highly conserved in available vertebrate species. In addition, this alteration is predicted to be deleterious by in silico analysis. Based on the available evidence, the clinical significance of this variant remains unclear.

Labcorp Genetics (formerly Invitae), Labcorp
Classification: Uncertain significance for Pheochromocytoma/paraganglioma syndrome 3; Gastrointestinal stromal tumor. Last evaluated: 2026-01-18. Review status: criteria provided, single submitter. Criteria: Invitae Variant Classification Sherloc (09022015). Collection method: clinical testing. Allele origin: germline.
Comment: This sequence change replaces alanine, which is neutral and non-polar, with valine, which is neutral and non-polar, at codon 2 of the SDHC protein (p.Ala2Val). This variant is present in population databases (no rsID available, gnomAD 0.0009%). This variant has not been reported in the literature in individuals affected with SDHC-related conditions. ClinVar contains an entry for this variant (Variation ID: 2625945). An algorithm developed to predict the effect of missense changes on protein structure and function (PolyPhen-2) suggests that this variant is likely to be disruptive. In summary, the available evidence is currently insufficient to determine the role of this variant in disease. Therefore, it has been classified as a Variant of Uncertain Significance.

Color Diagnostics, LLC DBA Color Health
Classification: Uncertain significance for Hereditary pheochromocytoma and paraganglioma. Last evaluated: 2025-06-17. Review status: criteria provided, single submitter. Criteria: ACMG Guidelines, 2015. Collection method: clinical testing. Allele origin: germline.
Comment: This missense variant replaces alanine with valine at codon 2 of the SDHC protein. Computational prediction is inconclusive regarding the impact of this variant on protein structure and function. To our knowledge, functional studies have not been reported for this variant. This variant has not been reported in individuals affected with SDHC-related disorders in the literature. This variant has been identified in 1/251226 chromosomes in the general population by the Genome Aggregation Database (gnomAD). The available evidence is insufficient to determine the role of this variant in disease conclusively. Therefore, this variant is classified as a Variant of Uncertain Significance.

NM_003001.5(SDHC):c.5C>T (p.Ala2Val)

Gene: SDHC (succinate dehydrogenase complex subunit C; plus strand). Cytogenetic location: 1q23.3.
Variant type: single nucleotide variant.
Coding change: c.5C>T on transcript NM_003001.5 (MANE Select); coding-DNA position 5, C replaced by T.
Protein change: p.Ala2Val; replaces alanine 2 with valine.
Molecular consequence: missense variant. On other transcripts: 5 prime UTR variant (2), non-coding transcript variant (1).
Genome position (GRCh38, 1-based): chr1:161,314,410, C>T. VCF-style: chr1-161314410-C-T. GRCh37 (hg19) VCF-style: chr1-161284200-C-T.
Other names: c.5C>T, p.Ala2Val (NM_001407118.1, NM_001407121.1, NM_001035511.3 and 6 more transcripts); c.-556C>T (NM_001407119.1); c.-225C>T (NM_001407120.1); short protein forms A2V.
Identifiers: ClinVar variation 2625945 (VCV002625945.8), dbSNP rs781337432, ClinGen allele CA343354918.